The following is an entry in ClinVar:

NM_000548.5(TSC2):c.1199_1207del (p.Phe400_Gly402del)

Gene: TSC2 (TSC complex subunit 2; plus strand). Cytogenetic location: 16p13.3.
Variant type: Deletion.
Coding change: c.1199_1207del on transcript NM_000548.5 (MANE Select); coding-DNA positions 1199 to 1207, 9 bases deleted (TCCACGGGT; older notation c.1199_1207delTCCACGGGT).
Protein change: p.Phe400_Gly402del.
Molecular consequence: 5 prime UTR variant (on NM_001406689.1). On other transcripts: non-coding transcript variant (5).
Genome position (GRCh38, 1-based): chr16:2,061,950-2,061,958, TCCACGGGT deleted; deleting any 9 consecutive bases within chr16:2,061,948-2,061,958 gives the same sequence; the c. name uses the placement nearest the transcript's 3' end. VCF-style (leftmost placement, unchanged base first): chr16-2061947-AGTTCCACGG-A. GRCh37 (hg19) VCF-style: chr16-2111948-AGTTCCACGG-A.
Other names: c.599_607del, p.Phe200_Gly202del (NM_001406684.1, NM_001406685.1, NM_001406686.1 and 6 more transcripts); c.-146_-138del (NM_001406689.1, NM_001406690.1, NM_001406691.1 and 4 more transcripts); c.-114_-106del (NM_001406694.1, NM_001406695.1); c.-322_-314del (NM_001406698.1); c.1199_1207del, p.Phe400_Gly402del (NM_021055.3, NM_001077183.3, NM_001114382.3 and 6 more transcripts); c.1088_1096del, p.Phe363_Gly365del (NM_001318827.2, NM_001406670.1, NM_001406678.1); c.1052_1060del, p.Phe351_Gly353del (NM_001318829.2, NM_001406675.1, NM_001406676.1 and 1 more transcripts); c.1232_1240del, p.Phe411_Gly413del (NM_001318832.2); and 4 more.
Identifiers: ClinVar variation 4077067 (VCV004077067.1).

ClinVar aggregate classification (germline): Uncertain significance (1 of 4 stars; one submission).

Conditions:
Tuberous sclerosis 2 (TSC2). Identifiers: Orphanet 805, MedGen C1860707, MONDO:0013199, OMIM 613254.

Submission:

MVZ Medizinische Genetik Mainz
Classification: Uncertain significance for Tuberous sclerosis 2. Last evaluated: 2025-07-25. Review status: criteria provided, single submitter. Criteria: UK Practice Guidelines For Variant Classification V4 01 2020. Collection method: clinical testing. Allele origin: germline. Inheritance: Autosomal dominant inheritance. Affected: yes. Observed: 1 variant allele.
Comment: ACMG Criteria: PM4,PM2_SUP,PP3